The following is an entry in ClinVar:

NM_003079.5(SMARCE1):c.266C>T (p.Pro89Leu)

Gene: SMARCE1 (SWI/SNF related BAF chromatin remodeling complex subunit E1; minus strand). Cytogenetic location: 17q21.2.
Variant type: single nucleotide variant.
Coding change: c.266C>T on transcript NM_003079.5 (MANE Select); coding-DNA position 266, C replaced by T.
Protein change: p.Pro89Leu; replaces proline 89 with leucine.
Molecular consequence: missense variant.
Genome position (GRCh38, 1-based): chr17:40,636,498, G>A on the plus strand (C>T on the coding strand, the complement: SMARCE1 is on the minus strand). VCF-style: chr17-40636498-G-A. GRCh37 (hg19) VCF-style: chr17-38792750-G-A.
Other names: short protein forms P89L.
Identifiers: ClinVar variation 2573688 (VCV002573688.1), dbSNP rs2508604686, ClinGen allele CA399367474.

ClinVar aggregate classification (germline): Uncertain significance (1 of 4 stars; one submission).

Submission:

GeneDx
Classification: Uncertain significance. Last evaluated: 2023-01-23. Review status: criteria provided, single submitter. Criteria: GeneDx Variant Classification Process June 2021. Collection method: clinical testing. Allele origin: germline. Affected: yes.
Comment: Not observed at significant frequency in large population cohorts (gnomAD); In silico analysis supports that this missense variant has a deleterious effect on protein structure/function; Has not been previously published as pathogenic or benign to our knowledge; This variant is associated with the following publications: (PMID: 23377182)